The following is an entry in ClinVar:

ClinVar aggregate classification (germline): Uncertain significance (1 of 4 stars; one submission).

Allele frequency attached by ClinVar (database versions not stated): gnomAD exomes below 0.00001; gnomAD 0.00001.
gnomAD v4.1: 2 of 1,565,130 alleles (0.00013%); highest among the groups gnomAD compares: Non-Finnish European, 0.00017%; no homozygotes.

Submission:

Labcorp Genetics (formerly Invitae), Labcorp
Classification: Uncertain significance. Last evaluated: 2022-08-17. Review status: criteria provided, single submitter. Criteria: Invitae Variant Classification Sherloc (09022015). Collection method: clinical testing. Allele origin: germline.
Comment: This variant is not present in population databases (gnomAD no frequency). This variant has not been reported in the literature in individuals affected with PCNT-related conditions. Algorithms developed to predict the effect of missense changes on protein structure and function output the following: SIFT: "Tolerated"; PolyPhen-2: "Possibly Damaging"; Align-GVGD: "Class C0". The glycine amino acid residue is found in multiple mammalian species, which suggests that this missense change does not adversely affect protein function. In summary, the available evidence is currently insufficient to determine the role of this variant in disease. Therefore, it has been classified as a Variant of Uncertain Significance. This sequence change replaces aspartic acid, which is acidic and polar, with glycine, which is neutral and non-polar, at codon 2257 of the PCNT protein (p.Asp2257Gly).

NM_006031.6(PCNT):c.6770A>G (p.Asp2257Gly)

Gene: PCNT (pericentrin; plus strand). Cytogenetic location: 21q22.3.
Variant type: single nucleotide variant.
Coding change: c.6770A>G on transcript NM_006031.6 (MANE Select); coding-DNA position 6770, A replaced by G.
Protein change: p.Asp2257Gly; replaces aspartic acid 2257 with glycine.
Molecular consequence: missense variant.
Genome position (GRCh38, 1-based): chr21:46,416,688, A>G. VCF-style: chr21-46416688-A-G. GRCh37 (hg19) VCF-style: chr21-47836602-A-G.
Other names: c.6416A>G, p.Asp2139Gly (NM_001315529.2); short protein forms D2139G, D2257G.
Identifiers: ClinVar variation 1716600 (VCV001716600.5), dbSNP rs1190773272, ClinGen allele CA410564585.